The following is an entry in ClinVar:

NM_001365276.2(TNXB):c.9856C>T (p.Gln3286Ter)

Gene: TNXB (tenascin XB; minus strand). Cytogenetic location: 6p21.33.
Variant type: single nucleotide variant.
Coding change: c.9856C>T on transcript NM_001365276.2 (MANE Select); coding-DNA position 9856, C replaced by T.
Protein change: p.Gln3286Ter; replaces glutamine 3286 with a stop codon.
Molecular consequence: nonsense.
Genome position (GRCh38, 1-based): chr6:32,048,552, G>A on the plus strand (C>T on the coding strand, the complement: TNXB is on the minus strand). VCF-style: chr6-32048552-G-A. GRCh37 (hg19) VCF-style: chr6-32016329-G-A.
Other names: c.10597C>T, p.Gln3533Ter (NM_001428335.1); c.9850C>T, p.Gln3284Ter (NM_019105.8); short protein forms Q3284*, Q3286*, Q3533*.
Identifiers: ClinVar variation 5013071 (VCV005013071.1).

ClinVar aggregate classification (germline): Pathogenic (1 of 4 stars; one submission).

Conditions:
Ehlers-Danlos syndrome due to tenascin-X deficiency (EDSCLL1). Also called: Ehlers-Danlos syndrome, classic-like, 1; EHLERS-DANLOS SYNDROME, CLASSIC-LIKE; TNXB-Related Classical-Like Ehlers-Danlos Syndrome; EDS DUE TO TNX DEFICIENCY; TNX DEFICIENCY. Identifiers: Orphanet 230839, MedGen C1848029, MONDO:0011670, OMIM 606408.

Submission:

Myriad Genetics, Inc.
Classification: Pathogenic for Ehlers-Danlos syndrome due to tenascin-X deficiency. Last evaluated: 2024-05-20. Review status: criteria provided, single submitter. Criteria: Myriad Autosomal Dominant, Autosomal Recessive and X-Linked Classification Criteria (2023). Collection method: clinical testing. Allele origin: unknown.
Comment: NM_019105.6(TNXB):c.9850C>T(Q3284*) is expected to be pathogenic in the context of classical-like Ehlers-Danlos syndrome, TNXB-related. This variant is predicted to lead to an abnormal or absent protein product due to the creation of a premature termination codon in TNXB, a gene where loss-of-function variants are known to be pathogenic. Please note: this variant was assessed in the context of healthy population screening.